The following is an entry in ClinVar:

ClinVar aggregate classification (germline): Uncertain significance. Review status: criteria provided, multiple submitters, no conflicts (2 of 4 stars). 2 submissions from 2 submitters: Uncertain significance (2). Last evaluated 2025-08-30.

Allele frequency attached by ClinVar (database versions not stated): gnomAD 0.00001; TOPMed 0.00001; ExAC 0.00002; gnomAD exomes 0.00002; 1000 Genomes Project 30x 0.00016; 1000 Genomes Project 0.00020.
gnomAD v4.1: 24 of 1,613,884 alleles (0.0015%); highest among the groups gnomAD compares: East Asian, 0.0067%; no homozygotes.

Submissions (2):

Ambry Genetics
Classification: Uncertain significance. Last evaluated: 2025-08-30. Review status: criteria provided, single submitter. Criteria: Ambry Variant Classification Scheme 2023. Collection method: clinical testing. Allele origin: germline.

Labcorp Genetics (formerly Invitae), Labcorp
Classification: Uncertain significance. Last evaluated: 2023-10-05. Review status: criteria provided, single submitter. Criteria: Invitae Variant Classification Sherloc (09022015). Collection method: clinical testing. Allele origin: germline.
Comment: This sequence change replaces isoleucine, which is neutral and non-polar, with valine, which is neutral and non-polar, at codon 148 of the ADGRA3 protein (p.Ile148Val). This variant is present in population databases (rs542014008, gnomAD 0.01%). This variant has not been reported in the literature in individuals affected with ADGRA3-related conditions. ClinVar contains an entry for this variant (Variation ID: 1026238). Algorithms developed to predict the effect of missense changes on protein structure and function output the following: SIFT: "Not Available"; PolyPhen-2: "Benign"; Align-GVGD: "Not Available". The valine amino acid residue is found in multiple mammalian species, which suggests that this missense change does not adversely affect protein function. In summary, the available evidence is currently insufficient to determine the role of this variant in disease. Therefore, it has been classified as a Variant of Uncertain Significance.

NM_145290.4(ADGRA3):c.442A>G (p.Ile148Val)

Gene: ADGRA3 (adhesion G protein-coupled receptor A3; minus strand). Cytogenetic location: 4p15.2.
Variant type: single nucleotide variant.
Coding change: c.442A>G on transcript NM_145290.4 (MANE Select); coding-DNA position 442, A replaced by G.
Protein change: p.Ile148Val; replaces isoleucine 148 with valine.
Molecular consequence: missense variant.
Genome position (GRCh38, 1-based): chr4:22,454,897, T>C on the plus strand (A>G on the coding strand, the complement: ADGRA3 is on the minus strand). VCF-style: chr4-22454897-T-C. GRCh37 (hg19) VCF-style: chr4-22456520-T-C.
Other names: c.442A>G (NM_145290.2); short protein forms I148V.
Identifiers: ClinVar variation 1026238 (VCV001026238.10), dbSNP rs542014008, ClinGen allele CA2874259.
Genomic context (GRCh38, chr4:22,454,897, plus strand): 5'-TTTTAATGGGAAAGAAAAGATATACTTACAGCCGAACCAGATTGGTGAGTCCTCGAAATA[T>C]GTCTGCATTCAGACATCCTATTCGATTGTTTGTCAGATCCCTAAGGAGAAGGGTGGAAAA-3'
Protein context (NP_660333.2, residues 138-158): NNRIGCLNAD[Ile148Val]FRGLTNLVRL